The following is an entry in ClinVar:

NM_203447.4(DOCK8):c.5323C>G (p.Leu1775Val)

Gene: DOCK8 (dedicator of cytokinesis 8; plus strand). Cytogenetic location: 9p24.3.
Variant type: single nucleotide variant.
Coding change: c.5323C>G on transcript NM_203447.4 (MANE Select); coding-DNA position 5323, C replaced by G.
Protein change: p.Leu1775Val; replaces leucine 1775 with valine.
Molecular consequence: missense variant.
Genome position (GRCh38, 1-based): chr9:441,385, C>G. VCF-style: chr9-441385-C-G. GRCh37 (hg19) VCF-style: chr9-441385-C-G.
Other names: c.5023C>G, p.Leu1675Val (NM_001190458.2); c.5119C>G, p.Leu1707Val (NM_001193536.2); short protein forms L1775V, L1675V, L1707V.
Identifiers: ClinVar variation 1407790 (VCV001407790.3), dbSNP rs1362434586, ClinGen allele CA372768143.

ClinVar aggregate classification (germline): Uncertain significance (1 of 4 stars; one submission).

Conditions:
Combined immunodeficiency due to DOCK8 deficiency (HIES2). Also called: HYPER-IgE RECURRENT INFECTION SYNDROME 2, AUTOSOMAL RECESSIVE; HYPER-IgE SYNDROME 2, AUTOSOMAL RECESSIVE, WITH RECURRENT INFECTIONS; HIES autosomal recessive; DOCK8 Deficiency; Hyper-IgE recurrent infection syndrome, autosomal recessive. Identifiers: Orphanet 217390, MedGen C4722305, MONDO:0009478, OMIM 243700.

Allele frequency attached by ClinVar (database versions not stated): gnomAD exomes below 0.00001 and 0.00001; TOPMed 0.00003.
gnomAD v4.1: 4 of 1,614,212 alleles (0.00025%); highest among the groups gnomAD compares: African/African-American, 0.0053%; no homozygotes.

Submission:

Labcorp Genetics (formerly Invitae), Labcorp
Classification: Uncertain significance for Combined immunodeficiency due to DOCK8 deficiency. Last evaluated: 2022-07-12. Review status: criteria provided, single submitter. Criteria: Invitae Variant Classification Sherloc (09022015). Collection method: clinical testing. Allele origin: germline.
Comment: This sequence change replaces leucine, which is neutral and non-polar, with valine, which is neutral and non-polar, at codon 1775 of the DOCK8 protein (p.Leu1775Val). This variant is present in population databases (no rsID available, gnomAD 0.01%). This variant has not been reported in the literature in individuals affected with DOCK8-related conditions. ClinVar contains an entry for this variant (Variation ID: 1407790). Algorithms developed to predict the effect of missense changes on protein structure and function are either unavailable or do not agree on the potential impact of this missense change (SIFT: "Deleterious"; PolyPhen-2: "Probably Damaging"; Align-GVGD: "Class C0"). Algorithms developed to predict the effect of sequence changes on RNA splicing suggest that this variant may create or strengthen a splice site. In summary, the available evidence is currently insufficient to determine the role of this variant in disease. Therefore, it has been classified as a Variant of Uncertain Significance.